The following is an entry in ClinVar:

NM_000742.4(CHRNA2):c.1500C>T (p.Ile500=)

Gene: CHRNA2 (cholinergic receptor nicotinic alpha 2 subunit; minus strand). Cytogenetic location: 8p21.2.
Variant type: single nucleotide variant.
Coding change: c.1500C>T on transcript NM_000742.4 (MANE Select); coding-DNA position 1500, C replaced by T.
Protein change: p.Ile500=; no amino-acid change (isoleucine 500 retained).
Molecular consequence: synonymous variant.
Genome position (GRCh38, 1-based): chr8:27,461,719, G>A on the plus strand (C>T on the coding strand, the complement: CHRNA2 is on the minus strand). VCF-style: chr8-27461719-G-A. GRCh37 (hg19) VCF-style: chr8-27319236-G-A.
Other names: p.I500I:ATC>ATT; c.1455C>T, p.Ile485= (NM_001282455.2); c.1023C>T, p.Ile341= (NM_001347705.2, NM_001347706.2); c.906C>T, p.Ile302= (NM_001347707.2, NM_001347708.2).
Identifiers: ClinVar variation 204950 (VCV000204950.46), dbSNP rs143223159, ClinGen allele CA313423.

ClinVar aggregate classification (germline): Benign/Likely benign. Review status: criteria provided, multiple submitters, no conflicts (2 of 4 stars). 7 submissions from 7 submitters: Benign (4); Likely benign (2). 1 of the submissions does not count toward it. Last evaluated 2026-01-26.

Conditions:
CHRNA2-related disorder. Also called: CHRNA2-related condition.
Familial sleep-related hypermotor epilepsy. Also called: Autosomal Dominant Sleep-Related Hypermotor (Hyperkinetic) Epilepsy. Identifiers: Orphanet 98784, MedGen C3696898, MONDO:0000030.
Inborn genetic diseases. Identifiers: MedGen C0950123, MeSH D030342.
Autosomal dominant nocturnal frontal lobe epilepsy 4. Also called: CHRNA2-Related Nocturnal Frontal Lobe Epilepsy, Autosomal Dominant; EPILEPSY, FAMILIAL, WITH NOCTURNAL WANDERING AND ICTAL FEAR. Identifiers: Orphanet 98784, MedGen C1835905, MONDO:0012474, OMIM 610353.

Allele frequency attached by ClinVar (database versions not stated): 1000 Genomes Project 30x 0.00047; ExAC 0.00048; 1000 Genomes Project 0.00060; gnomAD 0.00137 and 0.00150; TOPMed 0.00158; ESP Exome Variant Server 0.00185.
gnomAD v4.1: 410 of 1,614,156 alleles (0.025%); highest among the groups gnomAD compares: African/African-American, 0.47%; 3 homozygotes.

Submissions (7):

Labcorp Genetics (formerly Invitae), Labcorp
Classification: Benign. Last evaluated: 2026-01-26. Review status: criteria provided, single submitter. Criteria: Invitae Variant Classification Sherloc (09022015). Collection method: clinical testing. Allele origin: germline.

CeGaT Center for Human Genetics Tuebingen
Classification: Likely benign. Last evaluated: 2023-09-01. Review status: criteria provided, single submitter. Criteria: CeGaT Center For Human Genetics Tuebingen Variant Classification Criteria Version 2. Collection method: clinical testing. Allele origin: germline. Affected: yes. Observed: 1 variant allele.
Comment: CHRNA2: BP4, BP7

Illumina Laboratory Services, Illumina
Classification: Benign for Autosomal dominant nocturnal frontal lobe epilepsy 4. Last evaluated: 2018-01-12. Review status: criteria provided, single submitter. Criteria: ICSL Variant Classification Criteria 13 December 2019. Collection method: clinical testing. Allele origin: germline.
Comment: This variant was observed in the ICSL laboratory as part of a predisposition screen in an ostensibly healthy population. It had not been previously curated by ICSL or reported in the Human Gene Mutation Database (HGMD: prior to June 1st, 2018), and was therefore a candidate for classification through an automated scoring system. Utilizing variant allele frequency, disease prevalence and penetrance estimates, and inheritance mode, an automated score was calculated to assess if this variant is too frequent to cause the disease. Based on the score and internal cut-off values, a variant classified as benign is not then subjected to further curation. The score for this variant resulted in a classification of benign for this disease.

Ambry Genetics
Classification: Likely benign for Inborn genetic diseases. Last evaluated: 2016-10-18. Review status: criteria provided, single submitter. Criteria: Ambry Variant Classification Scheme 2023. Collection method: clinical testing. Allele origin: germline.

Eurofins Ntd Llc (ga)
Classification: Benign. Last evaluated: 2016-07-19. Review status: criteria provided, single submitter. Criteria: EGL Classification Definitions 2015. Collection method: clinical testing. Allele origin: germline. Observed: 1 variant allele, 1 heterozygote.

GeneDx
Classification: Benign. Last evaluated: 2014-12-29. Review status: criteria provided, single submitter. Criteria: GeneDx Variant Classification (06012015). Collection method: clinical testing. Allele origin: germline. Affected: yes.
Comment: This variant is considered likely benign or benign based on one or more of the following criteria: it is a conservative change, it occurs at a poorly conserved position in the protein, it is predicted to be benign by multiple in silico algorithms, and/or has population frequency not consistent with disease.

PreventionGenetics, part of Exact Sciences
Classification: Likely benign for CHRNA2-related condition. Last evaluated: 2019-02-24. Review status: no assertion criteria provided. Collection method: clinical testing. Allele origin: germline. Not counted in ClinVar's aggregate classification.
Comment: This variant is classified as likely benign based on ACMG/AMP sequence variant interpretation guidelines (Richards et al. 2015 PMID: 25741868, with internal and published modifications).